The following is an entry in ClinVar:

ClinVar aggregate classification (germline): Uncertain significance (1 of 4 stars; one submission).

Submission:

Labcorp Genetics (formerly Invitae), Labcorp
Classification: Uncertain significance. Last evaluated: 2022-04-25. Review status: criteria provided, single submitter. Criteria: Invitae Variant Classification Sherloc (09022015). Collection method: clinical testing. Allele origin: germline.
Comment: In summary, the available evidence is currently insufficient to determine the role of this variant in disease. Therefore, it has been classified as a Variant of Uncertain Significance. Algorithms developed to predict the effect of missense changes on protein structure and function (SIFT, PolyPhen-2, Align-GVGD) all suggest that this variant is likely to be tolerated. This variant has not been reported in the literature in individuals affected with CAPN5-related conditions. This variant is not present in population databases (gnomAD no frequency). This sequence change replaces glycine, which is neutral and non-polar, with aspartic acid, which is acidic and polar, at codon 202 of the CAPN5 protein (p.Gly202Asp).

NM_004055.5(CAPN5):c.605G>A (p.Gly202Asp)

Gene: CAPN5 (calpain 5; plus strand). Cytogenetic location: 11q13.5.
Variant type: single nucleotide variant.
Coding change: c.605G>A on transcript NM_004055.5 (MANE Select); coding-DNA position 605, G replaced by A.
Protein change: p.Gly202Asp; replaces glycine 202 with aspartic acid.
Molecular consequence: missense variant.
Genome position (GRCh38, 1-based): chr11:77,114,340, G>A. VCF-style: chr11-77114340-G-A. GRCh37 (hg19) VCF-style: chr11-76825386-G-A.
Other names: short protein forms G202D.
Identifiers: ClinVar variation 2130685 (VCV002130685.4), dbSNP rs1950445115, ClinGen allele CA381937976.
Genomic context (GRCh38, chr11:77,114,340, plus strand): 5'-CAGCAGACGCACTGGTGGACTTCACGGGTGGTGTTTCTGAGCCCATCGACCTGACCGAGG[G>A]TGACTTTGCCAACGATGAGACTAAGAGGAACCAGCTCTTTGAGCGCATGTTAAAGGTGCA-3'
Protein context (NP_004046.2, residues 192-212): GVSEPIDLTE[Gly202Asp]DFANDETKRN